The following is an entry in ClinVar:

ClinVar aggregate classification (germline): Uncertain significance (1 of 4 stars; one submission).

Conditions:
Charcot-Marie-Tooth disease axonal type 2C (HMSN2C). Also called: CHARCOT-MARIE-TOOTH DISEASE, AXONAL, AUTOSOMAL DOMINANT, TYPE 2C; Charcot-Marie-Tooth Neuropathy Type 2C; Charcot-Marie-Tooth Disease Type 2, TRPV4-Related (CMT2C). Identifiers: Orphanet 99937, MedGen C1853710, MONDO:0011633, OMIM 606071.

Allele frequency attached by ClinVar (database versions not stated): gnomAD exomes below 0.00001; gnomAD 0.00001; TOPMed 0.00001.
gnomAD v4.1: 3 of 1,613,784 alleles (0.00019%); highest among the groups gnomAD compares: African/African-American, 0.004%; no homozygotes.

Submission:

Labcorp Genetics (formerly Invitae), Labcorp
Classification: Uncertain significance for Charcot-Marie-Tooth disease axonal type 2C. Last evaluated: 2021-12-30. Review status: criteria provided, single submitter. Criteria: Invitae Variant Classification Sherloc (09022015). Collection method: clinical testing. Allele origin: germline.
Comment: In summary, the available evidence is currently insufficient to determine the role of this variant in disease. Therefore, it has been classified as a Variant of Uncertain Significance. Advanced modeling of protein sequence and biophysical properties (such as structural, functional, and spatial information, amino acid conservation, physicochemical variation, residue mobility, and thermodynamic stability) performed at Invitae indicates that this missense variant is expected to disrupt TRPV4 protein function. This variant has not been reported in the literature in individuals affected with TRPV4-related conditions. This variant is not present in population databases (gnomAD no frequency). This sequence change replaces methionine, which is neutral and non-polar, with threonine, which is neutral and polar, at codon 625 of the TRPV4 protein (p.Met625Thr).

NM_021625.5(TRPV4):c.1874T>C (p.Met625Thr)

Gene: TRPV4 (transient receptor potential cation channel subfamily V member 4; minus strand). Cytogenetic location: 12q24.11.
Variant type: single nucleotide variant.
Coding change: c.1874T>C on transcript NM_021625.5 (MANE Select); coding-DNA position 1874, T replaced by C.
Protein change: p.Met625Thr; replaces methionine 625 with threonine.
Molecular consequence: missense variant.
Genome position (GRCh38, 1-based): chr12:109,792,380, A>G on the plus strand (T>C on the coding strand, the complement: TRPV4 is on the minus strand). VCF-style: chr12-109792380-A-G. GRCh37 (hg19) VCF-style: chr12-110230185-A-G.
Other names: c.1733T>C, p.Met578Thr (NM_001177428.2); c.1772T>C, p.Met591Thr (NM_001177431.2); c.1553T>C, p.Met518Thr (NM_001177433.2); c.1694T>C, p.Met565Thr (NM_147204.3); short protein forms M578T, M518T, M591T, M625T, M565T.
Identifiers: ClinVar variation 2066528 (VCV002066528.4), dbSNP rs1890101838, ClinGen allele CA386651746.
Genomic context (GRCh38, chr12:109,792,380, plus strand): 5'-TTGCACCACCCCTGCCAGGACCACCTGAGCACCCAGAGCTCACCTGAAGCGTAGCCGATC[A>G]TGAAGAGCAAGTAGACGAGCAGGAATCGGAAAAGGTCCTTGAAGAGAATCTAAAGACCCC-3'
Protein context (NP_067638.3, residues 615-635): FRFLLVYLLF[Met625Thr]IGYASALVSL